The following is an entry in ClinVar:

NM_139057.4(ADAMTS17):c.1379G>A (p.Arg460His)

Gene: ADAMTS17 (ADAM metallopeptidase with thrombospondin type 1 motif 17; minus strand). Cytogenetic location: 15q26.3.
Variant type: single nucleotide variant.
Coding change: c.1379G>A on transcript NM_139057.4 (MANE Select); coding-DNA position 1379, G replaced by A.
Protein change: p.Arg460His; replaces arginine 460 with histidine.
Molecular consequence: missense variant.
Genome position (GRCh38, 1-based): chr15:100,152,706, C>T on the plus strand (G>A on the coding strand, the complement: ADAMTS17 is on the minus strand). VCF-style: chr15-100152706-C-T. GRCh37 (hg19) VCF-style: chr15-100692911-C-T.
Other names: c.1379G>A (NM_139057.3, NM_139057.2); short protein forms R460H.
Identifiers: ClinVar variation 2083017 (VCV002083017.6), dbSNP rs202127016, ClinGen allele CA7758263.

ClinVar aggregate classification (germline): Uncertain significance. Review status: criteria provided, multiple submitters, no conflicts (2 of 4 stars). 3 submissions from 3 submitters: Uncertain significance (3). Last evaluated 2026-04-21.

Conditions:
Inborn genetic diseases. Identifiers: MedGen C0950123, MeSH D030342.
ADAMTS17-related disorder. Also called: ADAMTS17-related condition.

Allele frequency attached by ClinVar (database versions not stated): gnomAD 0.00007; ESP Exome Variant Server 0.00008; TOPMed 0.00008; ExAC 0.00013.
gnomAD v4.1: 68 of 1,614,066 alleles (0.0042%); highest among the groups gnomAD compares: East Asian, 0.02%; no homozygotes.

Submissions (3):

PreventionGenetics, part of Exact Sciences
Classification: Uncertain significance for ADAMTS17-related condition. Last evaluated: 2026-04-21. Review status: criteria provided, single submitter. Criteria: ACMG Guidelines, 2015. Collection method: clinical testing. Allele origin: germline.
Comment: The ADAMTS17 c.1379G>A variant is predicted to result in the amino acid substitution p.Arg460His. To our knowledge, this variant has not been reported in the literature. This variant is present in 0.043% of alleles in individuals of East Asian descent in gnomAD. At this time, the clinical significance of this variant is uncertain due to the absence of conclusive functional and genetic evidence.

Ambry Genetics
Classification: Uncertain significance for Inborn genetic diseases. Last evaluated: 2025-11-26. Review status: criteria provided, single submitter. Criteria: Ambry Variant Classification Scheme 2023. Collection method: clinical testing. Allele origin: germline.

Labcorp Genetics (formerly Invitae), Labcorp
Classification: Uncertain significance. Last evaluated: 2022-09-27. Review status: criteria provided, single submitter. Criteria: Invitae Variant Classification Sherloc (09022015). Collection method: clinical testing. Allele origin: germline.
Comment: In summary, the available evidence is currently insufficient to determine the role of this variant in disease. Therefore, it has been classified as a Variant of Uncertain Significance. Algorithms developed to predict the effect of missense changes on protein structure and function are either unavailable or do not agree on the potential impact of this missense change (SIFT: "Not Available"; PolyPhen-2: "Benign"; Align-GVGD: "Not Available"). This variant has not been reported in the literature in individuals affected with ADAMTS17-related conditions. This variant is present in population databases (rs202127016, gnomAD 0.05%). This sequence change replaces arginine, which is basic and polar, with histidine, which is basic and polar, at codon 460 of the ADAMTS17 protein (p.Arg460His).